The following is an entry in ClinVar:

ClinVar aggregate classification (germline): Uncertain significance (1 of 4 stars; one submission).

Submission:

GeneDx
Classification: Uncertain significance. Last evaluated: 2024-01-05. Review status: criteria provided, single submitter. Criteria: GeneDx Variant Classification Process June 2021. Collection method: clinical testing. Allele origin: germline. Affected: yes.
Comment: Frameshift variant predicted to result in protein truncation or nonsense mediated decay in a gene or region of a gene for which loss of function is not a well-established mechanism of disease; Not observed at significant frequency in large population cohorts (gnomAD); Has not been previously published as pathogenic or benign to our knowledge; Variants in candidate genes are classified as variants of uncertain significance in accordance with ACMG guidelines (PMID: 25741868)

NM_014370.4(SRPK3):c.1007_1020del (p.Pro336fs)

Gene: SRPK3 (SRSF protein kinase 3; plus strand). Cytogenetic location: Xq28.
Variant type: Deletion.
Coding change: c.1007_1020del on transcript NM_014370.4 (MANE Select); coding-DNA positions 1007 to 1020, 14 bases deleted (CCGCCCCAGGGGGC).
Protein change: p.Pro336fs; shifts the reading frame from proline 336.
Molecular consequence: frameshift variant. On other transcripts: intron variant (1).
Genome position (GRCh38, 1-based): chrX:153,784,073-153,784,086, CCGCCCCAGGGGGC deleted; deleting any 14 consecutive bases within chrX:153,784,072-153,784,086 gives the same sequence; the c. name uses the placement nearest the transcript's 3' end. VCF-style (leftmost placement, unchanged base first): chrX-153784071-CCCCGCCCCAGGGGG-C. GRCh37 (hg19) VCF-style: chrX-153049526-CCCCGCCCCAGGGGG-C.
Other names: c.953-48_953-35del (NM_001170761.2); c.1004_1017del, p.Pro335fs (NM_001170760.2); short protein forms P335fs, P336fs.
Identifiers: ClinVar variation 3600709 (VCV003600709.1).